The following is an entry in ClinVar:

NM_001348716.2(KDM6B):c.1483C>T (p.Arg495Ter)

Gene: KDM6B (lysine demethylase 6B; plus strand). Cytogenetic location: 17p13.1.
Variant type: single nucleotide variant.
Coding change: c.1483C>T on transcript NM_001348716.2 (MANE Select); coding-DNA position 1483, C replaced by T.
Protein change: p.Arg495Ter; replaces arginine 495 with a stop codon.
Molecular consequence: nonsense.
Genome position (GRCh38, 1-based): chr17:7,847,771, C>T. VCF-style: chr17-7847771-C-T. GRCh37 (hg19) VCF-style: chr17-7751089-C-T.
Other names: c.1483C>T, p.Arg495Ter (NM_001080424.2); c.1483C>T (NM_001080424.1); short protein forms R495*.
Identifiers: ClinVar variation 1700102 (VCV001700102.28), dbSNP rs1597842212, ClinGen allele CA397916801.

ClinVar aggregate classification (germline): Pathogenic/Likely pathogenic. Review status: criteria provided, multiple submitters, no conflicts (2 of 4 stars). 3 submissions from 3 submitters: Pathogenic (1); Likely pathogenic (1). 1 of the submissions does not count toward it. Last evaluated 2025-06-04.

Conditions:
Neurodevelopmental disorder with coarse facies and mild distal skeletal abnormalities. Also called: STOLERMAN NEURODEVELOPMENTAL SYNDROME. Identifiers: MedGen C5193134, MONDO:0032790, OMIM 618505.
Neurodevelopmental delay. Identifiers: MedGen C4022738, HP:0012758.

Submissions (3):

GeneDx
Classification: Pathogenic. Last evaluated: 2025-06-04. Review status: criteria provided, single submitter. Criteria: GeneDx Variant Classification Process June 2021. Collection method: clinical testing. Allele origin: germline. Affected: yes.
Comment: Nonsense variant predicted to result in protein truncation or nonsense mediated decay in a gene for which loss of function is a known mechanism of disease; Not observed at significant frequency in large population cohorts (gnomAD); This variant is associated with the following publications: (PMID: 37196654)

Centre de Biologie Pathologie Génétique, Centre Hospitalier Universitaire de Lille
Classification: Likely pathogenic for Neurodevelopmental delay. Review status: criteria provided, single submitter. Criteria: ACMG Guidelines, 2015. Collection method: clinical testing. Allele origin: unknown. Affected: yes.

Joint Genome Diagnostic Labs from Nijmegen and Maastricht, Radboudumc and MUMC+
Classification: Likely pathogenic for Neurodevelopmental disorder with coarse facies and mild distal skeletal abnormalities. Last evaluated: 2022-09-09. Review status: no assertion criteria provided. Collection method: research. Allele origin: de novo. Affected: yes. Not counted in ClinVar's aggregate classification.